The following is an entry in ClinVar:

NM_031885.5(BBS2):c.1662del (p.Thr555fs)

Gene: BBS2 (Bardet-Biedl syndrome 2; minus strand). Cytogenetic location: 16q13.
Variant type: Deletion.
Coding change: c.1662del on transcript NM_031885.5 (MANE Select); coding-DNA position 1662, one base deleted (C; older notation c.1662delC).
Protein change: p.Thr555fs; shifts the reading frame from threonine 555.
Molecular consequence: frameshift variant. On other transcripts: non-coding transcript variant (5).
Genome position (GRCh38, 1-based): chr16:56,497,878, G deleted on the plus strand (C on the coding strand, the reverse complement: BBS2 is on the minus strand). VCF-style (leftmost placement, unchanged base first): chr16-56497877-TG-T. GRCh37 (hg19) VCF-style: chr16-56531789-TG-T.
Other names: c.1662del, p.Thr555fs (NM_001377456.1); short protein forms T555fs.
Identifiers: ClinVar variation 2035307 (VCV002035307.4), dbSNP rs2525100006, ClinGen allele CA2580091644.
Genomic context (GRCh38, chr16:56,497,877, plus strand): 5'-AAAATGATGCCATTGACTGGATGATATCACCAGCCAAATCAATATCATCAGTATTTATAG[TG>T]ATCTACCCAGAGAAAAAATAGACAAGTTTAGCATCCTCAGATGTTAGACAAACTTAGCTA-3'

ClinVar aggregate classification (germline): Pathogenic (1 of 4 stars; one submission).

Conditions:
Bardet-Biedl syndrome (BBS). Identifiers: Orphanet 110, MedGen C0752166, MONDO:0015229.

Submission:

Labcorp Genetics (formerly Invitae), Labcorp
Classification: Pathogenic for Bardet-Biedl syndrome. Last evaluated: 2023-07-25. Review status: criteria provided, single submitter. Criteria: Invitae Variant Classification Sherloc (09022015). Collection method: clinical testing. Allele origin: germline.
Comment: This variant is not present in population databases (gnomAD no frequency). For these reasons, this variant has been classified as Pathogenic. ClinVar contains an entry for this variant (Variation ID: 2035307). This variant has not been reported in the literature in individuals affected with BBS2-related conditions. This sequence change creates a premature translational stop signal (p.Thr555Leufs*2) in the BBS2 gene. It is expected to result in an absent or disrupted protein product. Loss-of-function variants in BBS2 are known to be pathogenic (PMID: 11285252, 20177705, 24608809, 26518167).

Literature cited by the submitters: PubMed 11285252; PubMed 20177705; PubMed 24608809; PubMed 26518167.